The following is an entry in ClinVar:

NM_005219.5(DIAPH1):c.1963C>G (p.Pro655Ala)

Gene: DIAPH1 (diaphanous related formin 1; minus strand). Cytogenetic location: 5q31.3.
Variant type: single nucleotide variant.
Coding change: c.1963C>G on transcript NM_005219.5 (MANE Select); coding-DNA position 1963, C replaced by G.
Protein change: p.Pro655Ala; replaces proline 655 with alanine.
Molecular consequence: missense variant.
Genome position (GRCh38, 1-based): chr5:141,573,887, G>C on the plus strand (C>G on the coding strand, the complement: DIAPH1 is on the minus strand). VCF-style: chr5-141573887-G-C. GRCh37 (hg19) VCF-style: chr5-140953454-G-C.
Other names: p.Pro655Ala; c.1936C>G, p.Pro646Ala (NM_001079812.3); c.1963C>G, p.Pro655Ala (NM_001314007.2); short protein forms P646A, P655A.
Identifiers: ClinVar variation 844136 (VCV000844136.18), dbSNP rs201827139, ClinGen allele CA3479186.

ClinVar aggregate classification (germline): Uncertain significance. Review status: criteria provided, multiple submitters, no conflicts (2 of 4 stars). 5 submissions from 5 submitters: Uncertain significance (4). 1 of the submissions does not count toward it. Last evaluated 2026-01-06.

Conditions:
DIAPH1-related disorder. Also called: DIAPH1-related condition.
Autosomal dominant nonsyndromic hearing loss 1. Also called: DEAFNESS, AUTOSOMAL DOMINANT 1, WITH OR WITHOUT THROMBOCYTOPENIA; KONIGSMARK SYNDROME. Identifiers: Orphanet 90635, MedGen C1852282, MONDO:0007424, OMIM 124900.
Progressive microcephaly-seizures-cortical blindness-developmental delay syndrome. Also called: Seizures, cortical blindness, and microcephaly syndrome. Identifiers: Orphanet 477814, MedGen C5567650, MONDO:0014714, OMIM 616632.
DIAPH1-related sensorineural hearing loss-thrombocytopenia syndrome. Identifiers: Orphanet 494444, MedGen C5567465, MONDO:0044635.
Inborn genetic diseases. Identifiers: MedGen C0950123, MeSH D030342.

Allele frequency attached by ClinVar (database versions not stated): ESP Exome Variant Server 0.00016; ExAC 0.00024; 1000 Genomes Project 0.00060; 1000 Genomes Project 30x 0.00078.
gnomAD v4.1: 41 of 1,545,700 alleles (0.0027%); highest among the groups gnomAD compares: African/African-American, 0.051%; no homozygotes.

Submissions (5):

Labcorp Genetics (formerly Invitae), Labcorp
Classification: Uncertain significance for Progressive microcephaly-seizures-cortical blindness-developmental delay syndrome; Autosomal dominant nonsyndromic hearing loss 1. Last evaluated: 2026-01-06. Review status: criteria provided, single submitter. Criteria: Invitae Variant Classification Sherloc (09022015). Collection method: clinical testing. Allele origin: germline.
Comment: This sequence change replaces proline, which is neutral and non-polar, with alanine, which is neutral and non-polar, at codon 655 of the DIAPH1 protein (p.Pro655Ala). This variant is present in population databases (rs201827139, gnomAD 0.09%). This variant has not been reported in the literature in individuals affected with DIAPH1-related conditions. ClinVar contains an entry for this variant (Variation ID: 844136). Experimental studies and prediction algorithms are not available or were not evaluated, and the functional significance of this variant is currently unknown. In summary, the available evidence is currently insufficient to determine the role of this variant in disease. Therefore, it has been classified as a Variant of Uncertain Significance.

Ambry Genetics
Classification: Uncertain significance for Inborn genetic diseases. Last evaluated: 2025-09-01. Review status: criteria provided, single submitter. Criteria: Ambry Variant Classification Scheme 2023. Collection method: clinical testing. Allele origin: germline.

Mayo Clinic Laboratories, Mayo Clinic
Classification: Uncertain significance. Last evaluated: 2024-02-05. Review status: criteria provided, single submitter. Criteria: ACMG Guidelines, 2015. Collection method: clinical testing. Allele origin: germline. Observed: 1 variant allele.
Comment: PM2_moderate

GeneDx
Classification: Uncertain significance. Last evaluated: 2022-06-27. Review status: criteria provided, single submitter. Criteria: GeneDx Variant Classification Process June 2021. Collection method: clinical testing. Allele origin: germline. Affected: yes.
Comment: In silico analysis supports that this missense variant does not alter protein structure/function; Has not been previously published as pathogenic or benign to our knowledge

PreventionGenetics, part of Exact Sciences
Classification: Uncertain significance for DIAPH1-related condition. Last evaluated: 2024-01-09. Review status: no assertion criteria provided. Collection method: clinical testing. Allele origin: germline. Not counted in ClinVar's aggregate classification.
Comment: The DIAPH1 c.1963C>G variant is predicted to result in the amino acid substitution p.Pro655Ala. To our knowledge, this variant has not been reported in the literature. This variant is reported in 0.088% of alleles in individuals of African descent in gnomAD. At this time, the clinical significance of this variant is uncertain due to the absence of conclusive functional and genetic evidence.